The following is an entry in ClinVar:

ClinVar aggregate classification (germline): Uncertain significance (1 of 4 stars; one submission).

gnomAD v4.1: 1 of 1,613,726 alleles (0.000062%); highest among the groups gnomAD compares: South Asian, 0.0011%; no homozygotes.

Submission:

Ambry Genetics
Classification: Uncertain significance. Last evaluated: 2026-01-13. Review status: criteria provided, single submitter. Criteria: Ambry Variant Classification Scheme 2023. Collection method: clinical testing. Allele origin: germline.
Comment: The p.E751Q variant (also known as c.2251G>C), located in coding exon 5 of the CDK12 gene, results from a G to C substitution at nucleotide position 2251. The glutamic acid at codon 751 is replaced by glutamine, an amino acid with highly similar properties. This amino acid position is conserved. In addition, the in silico prediction for this alteration is inconclusive. Based on the available evidence, the clinical significance of this variant remains unclear.

NM_016507.4(CDK12):c.2251G>C (p.Glu751Gln)

Gene: CDK12 (cyclin dependent kinase 12; plus strand). Cytogenetic location: 17q12.
Variant type: single nucleotide variant.
Coding change: c.2251G>C on transcript NM_016507.4 (MANE Select); coding-DNA position 2251, G replaced by C.
Protein change: p.Glu751Gln; replaces glutamic acid 751 with glutamine.
Molecular consequence: missense variant.
Genome position (GRCh38, 1-based): chr17:39,494,526, G>C. VCF-style: chr17-39494526-G-C. GRCh37 (hg19) VCF-style: chr17-37650779-G-C.
Other names: c.2251G>C, p.Glu751Gln (NM_015083.4); short protein forms E751Q.
Identifiers: ClinVar variation 4841705 (VCV004841705.1).